The following is an entry in ClinVar:

NM_000404.4(GLB1):c.485T>C (p.Leu162Ser)

Gene: GLB1 (galactosidase beta 1; minus strand). Cytogenetic location: 3p22.3.
Variant type: single nucleotide variant.
Coding change: c.485T>C on transcript NM_000404.4 (MANE Select); coding-DNA position 485, T replaced by C.
Protein change: p.Leu162Ser; replaces leucine 162 with serine.
Molecular consequence: missense variant. On other transcripts: synonymous variant (1).
Genome position (GRCh38, 1-based): chr3:33,065,530, A>G on the plus strand (T>C on the coding strand, the complement: GLB1 is on the minus strand). VCF-style: chr3-33065530-A-G. GRCh37 (hg19) VCF-style: chr3-33107022-A-G.
Other names: c.395T>C, p.Leu132Ser (NM_001079811.3); c.273T>C, p.Val91= (NM_001135602.3); c.629T>C, p.Leu210Ser (NM_001317040.2); c.485T>C, p.Leu162Ser (NM_001393580.1); short protein forms L132S, L162S, L210S.
Identifiers: ClinVar variation 4687404 (VCV004687404.1).

ClinVar aggregate classification (germline): Likely pathogenic (1 of 4 stars; one submission).

Conditions:
Mucopolysaccharidosis, MPS-IV-B (MPS4B). Also called: MORQUIO SYNDROME B; Mucopolysaccharidosis type IVB (Morquio); MPS IVB; Mucopolysaccharidosis type IV B; Mucopolysaccharidosis Type IVB; Mucopolysaccharidosis type 4B. Identifiers: Orphanet 309310, Orphanet 582, MedGen C0086652, MONDO:0009660, OMIM 253010.

Submission:

Women's Health and Genetics/Laboratory Corporation of America, LabCorp
Classification: Likely pathogenic for Mucopolysaccharidosis, MPS-IV-B. Last evaluated: 2025-10-09. Review status: criteria provided, single submitter. Criteria: LabCorp Variant Classification Summary - May 2015. Collection method: clinical testing. Allele origin: germline.
Comment: Variant summary: GLB1 c.485T>C (p.Leu162Ser) results in a non-conservative amino acid change in the encoded protein sequence. Algorithms developed to predict the effect of missense changes on protein structure and function all suggest that this variant is likely to be disruptive. The variant was absent in 203182 control chromosomes (gnomAD). c.485T>C has been observed in an individual affected with Mucopolysaccharidosis Type IVB (Morquio Syndrome B)(Santamaria_2007a). These data indicate that the variant may be associated with disease. At least one publication reports experimental evidence evaluating an impact on protein function, finding that the variant results in no residual enzymatic activity (Santamaria_2007b). The following publications have been ascertained in the context of this evaluation (PMID: 17309651, 17664528). No submitters have cited clinical-significance assessments for this variant to ClinVar. Based on the evidence outlined above, the variant was classified as likely pathogenic.

Literature cited by the submitters: PubMed 17664528; PubMed 17309651.